The following is an entry in ClinVar:

ClinVar aggregate classification (germline): Uncertain significance. Review status: criteria provided, multiple submitters, no conflicts (2 of 4 stars). 2 submissions from 2 submitters: Uncertain significance (2). Last evaluated 2026-01-07.

Conditions:
Cardiovascular phenotype. Identifiers: MedGen CN230736.
Long QT syndrome (LQTS). Identifiers: MedGen C0023976, MeSH D008133, MONDO:0002442. Disease mechanism: loss of function. Inheritance: Various modes of inheritance.

Allele frequency attached by ClinVar (database versions not stated): gnomAD exomes below 0.00001.
gnomAD v4.1: 3 of 1,614,038 alleles (0.00019%); highest among the groups gnomAD compares: African/African-American, 0.004%; no homozygotes.

Submissions (2):

Labcorp Genetics (formerly Invitae), Labcorp
Classification: Uncertain significance for Long QT syndrome. Last evaluated: 2026-01-07. Review status: criteria provided, single submitter. Criteria: Invitae Variant Classification Sherloc (09022015). Collection method: clinical testing. Allele origin: germline.
Comment: This sequence change replaces alanine, which is neutral and non-polar, with serine, which is neutral and polar, at codon 178 of the ANK2 protein (p.Ala178Ser). This variant is present in population databases (no rsID available, gnomAD 0.008%). This variant has not been reported in the literature in individuals affected with ANK2-related conditions. ClinVar contains an entry for this variant (Variation ID: 1746879). An algorithm developed to predict the effect of missense changes on protein structure and function (PolyPhen-2) suggests that this variant is likely to be disruptive. In summary, the available evidence is currently insufficient to determine the role of this variant in disease. Therefore, it has been classified as a Variant of Uncertain Significance.

Ambry Genetics
Classification: Uncertain significance for Cardiovascular phenotype. Last evaluated: 2024-09-30. Review status: criteria provided, single submitter. Criteria: Ambry Variant Classification Scheme 2023. Collection method: clinical testing. Allele origin: germline.
Comment: The p.A178S variant (also known as c.532G>T), located in coding exon 6 of the ANK2 gene, results from a G to T substitution at nucleotide position 532. The alanine at codon 178 is replaced by serine, an amino acid with similar properties. This amino acid position is not well conserved in available vertebrate species. In addition, the in silico prediction for this alteration is inconclusive. Since supporting evidence is limited at this time, the clinical significance of this alteration remains unclear.

NM_001148.6(ANK2):c.532G>T (p.Ala178Ser)

Gene: ANK2 (ankyrin 2; plus strand). Cytogenetic location: 4q26.
Variant type: single nucleotide variant.
Coding change: c.532G>T on transcript NM_001148.6 (MANE Select); coding-DNA position 532, G replaced by T.
Protein change: p.Ala178Ser; replaces alanine 178 with serine.
Molecular consequence: missense variant.
Genome position (GRCh38, 1-based): chr4:113,237,035, G>T. VCF-style: chr4-113237035-G-T. GRCh37 (hg19) VCF-style: chr4-114158191-G-T.
Other names: c.469G>T, p.Ala157Ser (NM_001127493.3, NM_001354239.2, NM_001354243.2 and 33 more transcripts); c.532G>T, p.Ala178Ser (NM_001354225.2, NM_001354228.2, NM_001354232.2 and 9 more transcripts); c.577G>T, p.Ala193Ser (NM_001354230.2, NM_001354231.2, NM_001354237.2 and 5 more transcripts); c.514G>T, p.Ala172Ser (NM_001354261.2, NM_001386147.1, NM_001386160.1); c.520G>T, p.Ala174Ser (NM_001354269.3, NM_001386148.2, NM_001386186.2 and 1 more transcripts); c.583G>T, p.Ala195Ser (NM_001386174.1, NM_001386175.1); short protein forms A172S, A174S, A157S, A193S, A178S, A195S.
Identifiers: ClinVar variation 1746879 (VCV001746879.4), dbSNP rs981901265, ClinGen allele CA103795811.